The following is an entry in ClinVar:

ClinVar aggregate classification (germline): Uncertain significance (1 of 4 stars; one submission).

Conditions:
Inborn genetic diseases. Identifiers: MedGen C0950123, MeSH D030342.

gnomAD v4.1: 1 of 1,612,936 alleles (0.000062%); highest among the groups gnomAD compares: Non-Finnish European, 0.000085%; no homozygotes.

Submission:

Ambry Genetics
Classification: Uncertain significance for Inborn genetic diseases. Last evaluated: 2024-06-18. Review status: criteria provided, single submitter. Criteria: Ambry Variant Classification Scheme 2023. Collection method: clinical testing. Allele origin: germline.
Comment: The p.I1690L variant (also known as c.5068A>C), located in coding exon 35 of the LRRK2 gene, results from an A to C substitution at nucleotide position 5068. The isoleucine at codon 1690 is replaced by leucine, an amino acid with highly similar properties. This amino acid position is conserved. In addition, this alteration is predicted to be tolerated by in silico analysis. Based on the available evidence, the clinical significance of this variant remains unclear.

NM_198578.4(LRRK2):c.5068A>C (p.Ile1690Leu)

Gene: LRRK2 (leucine rich repeat kinase 2; plus strand). Cytogenetic location: 12q12.
Variant type: single nucleotide variant.
Coding change: c.5068A>C on transcript NM_198578.4 (MANE Select); coding-DNA position 5068, A replaced by C.
Protein change: p.Ile1690Leu; replaces isoleucine 1690 with leucine.
Molecular consequence: missense variant.
Genome position (GRCh38, 1-based): chr12:40,321,086, A>C. VCF-style: chr12-40321086-A-C. GRCh37 (hg19) VCF-style: chr12-40714888-A-C.
Other names: short protein forms I1690L.
Identifiers: ClinVar variation 3292074 (VCV003292074.1).